The following is an entry in ClinVar:

NM_005585.5(SMAD6):c.484C>A (p.Arg162Ser)

Gene: SMAD6 (SMAD family member 6; plus strand). Cytogenetic location: 15q22.31.
Variant type: single nucleotide variant.
Coding change: c.484C>A on transcript NM_005585.5 (MANE Select); coding-DNA position 484, C replaced by A.
Protein change: p.Arg162Ser; replaces arginine 162 with serine.
Molecular consequence: missense variant. On other transcripts: non-coding transcript variant (1).
Genome position (GRCh38, 1-based): chr15:66,703,742, C>A. VCF-style: chr15-66703742-C-A. GRCh37 (hg19) VCF-style: chr15-66996080-C-A.
Other names: short protein forms R162S.
Identifiers: ClinVar variation 3445897 (VCV003445897.1).

ClinVar aggregate classification (germline): Uncertain significance (1 of 4 stars; one submission).

Conditions:
Inborn genetic diseases. Identifiers: MedGen C0950123, MeSH D030342.

Submission:

Ambry Genetics
Classification: Uncertain significance for Inborn genetic diseases. Last evaluated: 2024-09-24. Review status: criteria provided, single submitter. Criteria: Ambry Variant Classification Scheme 2023. Collection method: clinical testing. Allele origin: germline.
Comment: The p.R162S variant (also known as c.484C>A), located in coding exon 1 of the SMAD6 gene, results from a C to A substitution at nucleotide position 484. The arginine at codon 162 is replaced by serine, an amino acid with dissimilar properties. This amino acid position is conserved. In addition, the in silico prediction for this alteration is inconclusive. Based on the available evidence, the clinical significance of this variant remains unclear.